The following continues an entry in ClinVar:

NM_007294.4(BRCA1):c.5056C>T (p.His1686Tyr)

Gene: BRCA1. ClinVar aggregate classification (germline): Likely pathogenic. Likely pathogenic (1).

Submissions 6 to 11 of 11:

Lupski Lab, Baylor-Hopkins CMG, Baylor College of Medicine
Classification: Likely pathogenic for Breast-ovarian cancer, familial, susceptibility to, 1. Last evaluated: 2024-04-12. Review status: criteria provided, single submitter. Criteria: Dawood et al. (medRxiv. 2024). Collection method: curation. Allele origin: germline. Not counted in ClinVar's aggregate classification.
Comment: Each variant was annotated with functional scores from MAVE data which was translated into functional evidence codes. All other evidence codes and combining criteria were adhered to as closely as possible based on the ClinGen VCEP (Variant Curation Expert Panel) gene-specific recommendations. See Supplemental Figure 34 of final paper (Supp Fig. 28 in preprint: doi:10.1101/2024.04.11.24305690) for a table to see which lines of evidence we did not have data for. The ClinGen VCEPs are highly regarded as the gold-standard for gene-specific variant curation and are developed after extensive evaluation of the evidence by clinical and scientific experts for the particular gene to classify genomic variants on a spectrum from pathogenic to benign using the 2015 ACMG/AMP Variant Interpretation Guidelines as a backbone (PMID: 25741868). Reclassification of these VUS variants from gnomAD or All of Us focused only on variants originally prescribed as VUS in ClinVar. To ensure reproducibility, transparency, and increased throughput, all the procedures for annotating variants and assigning evidence codes were codified using Python. All code has been made freely available and is linked in the Code Availability section and all reclassified variants with evidence codes used can be found in Tables S18-19 (preprint: doi:10.1101/2024.04.11.24305690). For the MAVE data, the clinical curation and clinical strength assignment as per the ClinGen recommendations in Brnich et al. (2020) (PMID: 31892348) for or against pathogenicity or benignity of each of these MAVE datasets utilized in this study were previously published in Fayer et al. (2021) (PMID: 34793697).In brief, for BRCA1 variants, if a variant was categorized as FUNC (functional), it was assigned BS3 evidence and no PS3 evidence, whereas if it was categorized as LOF (loss of function), the variant was assigned PS3 evidence and no BS3 evidence. Variants categorized as INT (intermediate) were left unannotated. For the BRCA1 combining criteria, greater than or equal to 1 criteria of strong benign evidence was enough to reclassify the VUS as Likely Benign. This variant GRCh38:17:43067626:G>A was assigned evidence codes ['PS3', 'PP3', 'PM2_Supporting'] and an overall classification of Likely pathogenic

Fulgent Genetics
Classification: Likely pathogenic for Breast-ovarian cancer, familial, susceptibility to, 1; Pancreatic cancer, susceptibility to, 4; Fanconi anemia, complementation group S. Last evaluated: 2024-02-08. Review status: criteria provided, single submitter. Criteria: ACMG Guidelines, 2015. Collection method: clinical testing. Allele origin: germline. Not counted in ClinVar's aggregate classification.

All of Us Research Program, National Institutes of Health
Classification: Uncertain significance for Breast-ovarian cancer, familial, susceptibility to, 1. Last evaluated: 2023-03-23. Review status: criteria provided, single submitter. Criteria: ACMG Guidelines, 2015. Collection method: clinical testing. Allele origin: germline. Inheritance: Autosomal dominant inheritance. Observed: 1 variant allele, 1 heterozygote. Not counted in ClinVar's aggregate classification.
Comment: This missense variant replaces a conserved histidine with tyrosine at codon 1686 in the BRCT domain of the BRCA1 protein (PMID: 15133503, 18757339). Computational prediction suggests that this variant may have deleterious impact on protein structure and function (internally defined REVEL score threshold >= 0.7, PMID: 27666373). Functional studies have shown that this variant impacts BRCA1 function in haploid cell proliferation in the presence and absence of PARP inhibitor and in a homology-directed DNA repair assay (PMID: 30209399, 31467430). To our knowledge, this variant has not been reported in individuals affected with BRCA1-related disorders in the literature. Different missense variants at this codon, p.His1686Gln and p.His1686Arg, have been reported as disease-causing in ClinVar (variation ID: 55366, 183179). This variant has not been identified in the general population by the Genome Aggregation Database (gnomAD). Although there is a suspicion that this variant may be associated with disease, additional clinical studies are necessary to determine the role of this variant in disease conclusively. Therefore, this variant is classified as a Variant of Uncertain Significance.

This study involves interpretation of variants in research participants for the purpose of population health screening. Participant phenotype was not available at the time of variant classification. Additional details can be found in publication PMID: 35346344, PMCID: PMC8962531

Color Diagnostics, LLC DBA Color Health
Classification: Uncertain significance for Hereditary cancer-predisposing syndrome. Last evaluated: 2023-03-09. Review status: criteria provided, single submitter. Criteria: ACMG Guidelines, 2015. Collection method: clinical testing. Allele origin: germline. Not counted in ClinVar's aggregate classification.
Comment: This missense variant replaces a conserved histidine with tyrosine at codon 1686 in the BRCT domain of the BRCA1 protein (PMID: 15133503, 18757339). Computational prediction suggests that this variant may have deleterious impact on protein structure and function (internally defined REVEL score threshold >= 0.7, PMID: 27666373). Functional studies have shown that this variant impacts BRCA1 function in haploid cell proliferation in the presence and absence of PARP inhibitor and in a homology-directed DNA repair assay (PMID: 30209399, 31467430). To our knowledge, this variant has not been reported in individuals affected with BRCA1-related disorders in the literature. Different missense variants at this codon, p.His1686Gln and p.His1686Arg, have been reported as disease-causing in ClinVar (variation ID: 55366, 183179). This variant has not been identified in the general population by the Genome Aggregation Database (gnomAD). Although there is a suspicion that this variant may be associated with disease, additional clinical studies are necessary to determine the role of this variant in disease conclusively. Therefore, this variant is classified as a Variant of Uncertain Significance.

Fulgent Genetics
Classification: Uncertain significance for Familial cancer of breast; Breast-ovarian cancer, familial, susceptibility to, 1; Pancreatic cancer, susceptibility to, 4; Fanconi anemia, complementation group S. Last evaluated: 2018-10-31. Review status: criteria provided, single submitter. Criteria: ACMG Guidelines, 2015. Collection method: clinical testing. Allele origin: unknown. Not counted in ClinVar's aggregate classification.

Brotman Baty Institute, University of Washington
No classification provided (evidence only). Condition: Breast-ovarian cancer, familial 1. Review status: no classification provided. Collection method: in vitro. Allele origin: not applicable. Functional consequence: functionally_abnormal. Not counted in ClinVar's aggregate classification.
ClinVar note: "not provided" was previously submitted as the classification for the variant. However, the classification appeared to be based only on an observation of functional data so it was converted to no classification on 2025-07-30.

Literature cited by the submitters: PubMed 30209399 (cited by 5 submitters); PubMed 12496477 (cited by Labcorp Genetics (formerly Invitae), Labcorp); PubMed 18757339 (cited by 3 submitters); PubMed 23867111 (cited by Labcorp Genetics (formerly Invitae), Labcorp); PubMed 25452441 (cited by Labcorp Genetics (formerly Invitae), Labcorp); PubMed 39142283 (cited by Lupski Lab, Baylor-Hopkins CMG, Baylor College of Medicine); PubMed 34793697 (cited by Lupski Lab, Baylor-Hopkins CMG, Baylor College of Medicine); DOI 10.1101/2024.04.11.24305690 (cited by Lupski Lab, Baylor-Hopkins CMG, Baylor College of Medicine); PubMed 15133503 (cited by All of Us Research Program, National Institutes of Health and Color Diagnostics, LLC DBA Color Health); PubMed 31467430 (cited by All of Us Research Program, National Institutes of Health and Color Diagnostics, LLC DBA Color Health).